The following is an entry in ClinVar:

NM_001267550.2(TTN):c.467G>T (p.Gly156Val)

Gene: TTN (titin; minus strand). Cytogenetic location: 2q31.2.
Variant type: single nucleotide variant.
Coding change: c.467G>T on transcript NM_001267550.2 (MANE Select); coding-DNA position 467, G replaced by T.
Protein change: p.Gly156Val; replaces glycine 156 with valine.
Molecular consequence: missense variant.
Genome position (GRCh38, 1-based): chr2:178,800,511, C>A on the plus strand (G>T on the coding strand, the complement: TTN is on the minus strand). VCF-style: chr2-178800511-C-A. GRCh37 (hg19) VCF-style: chr2-179665238-C-A.
Other names: c.467G>T, p.Gly156Val (NM_001256850.1, NM_003319.4, NM_133378.4 and 3 more transcripts); short protein forms G156V.
Identifiers: ClinVar variation 4994654 (VCV004994654.1).
Genomic context (GRCh38, chr2:178,800,511, plus strand): 5'-ACTGAATAGGTCCCTGAGTCCTCAGGGTATGCTTCTGCAATCAGTAAGCTGTAGAGGTCG[C>A]CTTCTTGTGAAATTTGGAAATCAAGGGAGCTCTGGATTTCGGCTCCATCCCGGTAGAACT-3'
Protein context (NP_001254479.2, residues 146-166): SSLDFQISQE[Gly156Val]DLYSLLIAEA

ClinVar aggregate classification (germline): Uncertain significance (1 of 4 stars; one submission).

Conditions:
TTN-related disorder. Also called: TTN-related condition; TTN-related disease; TTN-related disorders.

Submission:

PreventionGenetics, part of Exact Sciences
Classification: Uncertain significance for TTN-related condition. Last evaluated: 2025-11-21. Review status: criteria provided, single submitter. Criteria: ACMG Guidelines, 2015. Collection method: clinical testing. Allele origin: germline.
Comment: The TTN c.467G>T variant is predicted to result in the amino acid substitution p.Gly156Val. To our knowledge, this variant has not been reported in the literature or in a large population database (gnomAD), indicating this variant is rare. At this time, the clinical significance of this variant is uncertain due to the absence of conclusive functional and genetic evidence.